The following is an entry in ClinVar:

NM_018082.6(POLR3B):c.3073dup (p.Arg1025fs)

Genes: POLR3B (RNA polymerase III subunit B; plus strand), RFX4-AS1 (RFX4 antisense RNA 1; minus strand). Cytogenetic location: 12q23.3.
Variant type: Duplication.
Coding change: c.3073dup on transcript NM_018082.6 (MANE Select); coding-DNA position 3073, one base duplicated (C; older notation c.3073dupC).
Protein change: p.Arg1025fs; shifts the reading frame from arginine 1025.
Molecular consequence: frameshift variant.
Genome position (GRCh38, 1-based): chr12:106,501,411, C duplicated; the last of 3 consecutive C bases (chr12:106,501,409-106,501,411); duplicating any one gives the same sequence. VCF-style (leftmost placement, unchanged base first): chr12-106501408-G-GC. GRCh37 (hg19) VCF-style: chr12-106895186-G-GC.
Other names: c.2899dup, p.Arg967fs (NM_001160708.2); short protein forms R1025fs, R967fs.
Identifiers: ClinVar variation 4712798 (VCV004712798.1).
Genomic context (GRCh38, chr12:106,501,408, plus strand): 5'-TTTGGCCCCGTGTACTATCAGAAGCTGAAACACATGGTGCTAGATAAAATGCATGCCCGG[G>GC]CCCGGGGCCCACGAGCCGTCCTTACCAGGTAAGAGAAAAGTACTTACAAAAAGAATTGAT-3'

ClinVar aggregate classification (germline): Pathogenic (1 of 4 stars; one submission).

Submission:

Labcorp Genetics (formerly Invitae), Labcorp
Classification: Pathogenic. Last evaluated: 2025-02-11. Review status: criteria provided, single submitter. Criteria: Invitae Variant Classification Sherloc (09022015). Collection method: clinical testing. Allele origin: germline.
Comment: This sequence change creates a premature translational stop signal (p.Arg1025Profs*13) in the POLR3B gene. It is expected to result in an absent or disrupted protein product. Loss-of-function variants in POLR3B are known to be pathogenic (PMID: 25339210). This variant is not present in population databases (gnomAD no frequency). This variant has not been reported in the literature in individuals affected with POLR3B-related conditions. For these reasons, this variant has been classified as Pathogenic.

Literature cited by the submitters: PubMed 25339210.